The following is an entry in ClinVar:

NM_006006.6(ZBTB16):c.443G>A (p.Arg148His)

Gene: ZBTB16 (zinc finger and BTB domain containing 16; plus strand). Cytogenetic location: 11q23.2.
Variant type: single nucleotide variant.
Coding change: c.443G>A on transcript NM_006006.6 (MANE Select); coding-DNA position 443, G replaced by A.
Protein change: p.Arg148His; replaces arginine 148 with histidine.
Molecular consequence: missense variant.
Genome position (GRCh38, 1-based): chr11:114,063,743, G>A. VCF-style: chr11-114063743-G-A. GRCh37 (hg19) VCF-style: chr11-113934465-G-A.
Other names: c.443G>A, p.Arg148His (NM_001018011.3, NM_001354750.2, NM_001354751.2 and 1 more transcripts); c.443G>A (NM_006006.4); short protein forms R148H.
Identifiers: ClinVar variation 1690875 (VCV001690875.6), dbSNP rs763360681, ClinGen allele CA6285023.

ClinVar aggregate classification (germline): Uncertain significance. Review status: criteria provided, multiple submitters, no conflicts (2 of 4 stars). 2 submissions from 2 submitters: Uncertain significance (2). Last evaluated 2024-12-30.

Allele frequency attached by ClinVar (database versions not stated): gnomAD 0.00001; TOPMed 0.00002.
gnomAD v4.1: 11 of 1,613,918 alleles (0.00068%); highest among the groups gnomAD compares: Middle Eastern, 0.016%; 1 homozygote.

Submissions (2):

Ambry Genetics
Classification: Uncertain significance. Last evaluated: 2024-12-30. Review status: criteria provided, single submitter. Criteria: Ambry Variant Classification Scheme 2023. Collection method: clinical testing. Allele origin: germline.

Laboratorio de Genetica e Diagnostico Molecular, Hospital Israelita Albert Einstein
Classification: Uncertain significance. Last evaluated: 2020-04-22. Review status: criteria provided, single submitter. Criteria: ACMG Guidelines, 2015. Collection method: clinical testing. Allele origin: germline. Affected: yes.
Comment: ACMG classification criteria: PM2, BP4